The following is an entry in ClinVar:

ClinVar aggregate classification (germline): Uncertain significance (1 of 4 stars; one submission).

Conditions:
5-Oxoprolinase deficiency (OPLAHD). Also called: 5-OXOPROLINURIA DUE TO 5-OXOPROLINASE DEFICIENCY. Identifiers: Orphanet 33572, MedGen C0268525, MONDO:0009825, OMIM 260005, HP:0040142.

Allele frequency attached by ClinVar (database versions not stated): ExAC 0.00003; gnomAD 0.00005; TOPMed 0.00005; gnomAD exomes 0.00007.
gnomAD v4.1: 108 of 1,599,920 alleles (0.0068%); highest among the groups gnomAD compares: Non-Finnish European, 0.0085%; no homozygotes.

Submission:

Labcorp Genetics (formerly Invitae), Labcorp
Classification: Uncertain significance for 5-Oxoprolinase deficiency. Last evaluated: 2022-04-12. Review status: criteria provided, single submitter. Criteria: Invitae Variant Classification Sherloc (09022015). Collection method: clinical testing. Allele origin: germline.
Comment: In summary, the available evidence is currently insufficient to determine the role of this variant in disease. Therefore, it has been classified as a Variant of Uncertain Significance. Experimental studies and prediction algorithms are not available or were not evaluated, and the functional significance of this variant is currently unknown. This variant has not been reported in the literature in individuals affected with OPLAH-related conditions. This variant is present in population databases (rs782121351, gnomAD 0.006%). This sequence change replaces methionine, which is neutral and non-polar, with valine, which is neutral and non-polar, at codon 455 of the OPLAH protein (p.Met455Val).

NM_017570.5(OPLAH):c.1363A>G (p.Met455Val)

Gene: OPLAH (5-oxoprolinase, ATP-hydrolysing; minus strand). Cytogenetic location: 8q24.3.
Variant type: single nucleotide variant.
Coding change: c.1363A>G on transcript NM_017570.5 (MANE Select); coding-DNA position 1363, A replaced by G.
Protein change: p.Met455Val; replaces methionine 455 with valine.
Molecular consequence: missense variant.
Genome position (GRCh38, 1-based): chr8:144,057,507, T>C on the plus strand (A>G on the coding strand, the complement: OPLAH is on the minus strand). VCF-style: chr8-144057507-T-C. GRCh37 (hg19) VCF-style: chr8-145112410-T-C.
Other names: short protein forms M455V.
Identifiers: ClinVar variation 2155649 (VCV002155649.3), dbSNP rs782121351, ClinGen allele CA4931904.